The following is an entry in ClinVar:

ClinVar aggregate classification (germline): Benign. Review status: criteria provided, multiple submitters, no conflicts (2 of 4 stars). 2 submissions from 2 submitters: Benign (2). Last evaluated 2026-02-03.

Allele frequency attached by ClinVar (database versions not stated): gnomAD exomes 0.00288 and 0.01004; ExAC 0.01012; ESP Exome Variant Server 0.03089; gnomAD 0.03113 and 0.03341; 1000 Genomes Project 0.03415; 1000 Genomes Project 30x 0.03482; TOPMed 0.03588.
gnomAD v4.1: 8,657 of 1,463,830 alleles (0.59%); highest among the groups gnomAD compares: African/African-American, 11%; 400 homozygotes.

Submissions (2):

Labcorp Genetics (formerly Invitae), Labcorp
Classification: Benign. Last evaluated: 2026-02-03. Review status: criteria provided, single submitter. Criteria: Invitae Variant Classification Sherloc (09022015). Collection method: clinical testing. Allele origin: germline.

GeneDx
Classification: Benign. Last evaluated: 2013-01-07. Review status: criteria provided, single submitter. Criteria: GeneDx Variant Classification (06012015). Collection method: clinical testing. Allele origin: germline. Affected: yes.
Comment: This variant is considered likely benign or benign based on one or more of the following criteria: it is a conservative change, it occurs at a poorly conserved position in the protein, it is predicted to be benign by multiple in silico algorithms, and/or has population frequency not consistent with disease.

NM_032119.4(ADGRV1):c.4752+19G>T

Gene: ADGRV1 (adhesion G protein-coupled receptor V1; plus strand). Cytogenetic location: 5q14.3.
Variant type: single nucleotide variant.
Coding change: c.4752+19G>T on transcript NM_032119.4 (MANE Select); 19 bases into the intron after coding-DNA position 4752, G replaced by T.
Molecular consequence: intron variant.
Genome position (GRCh38, 1-based): chr5:90,658,297, G>T. VCF-style: chr5-90658297-G-T. GRCh37 (hg19) VCF-style: chr5-89954114-G-T.
Identifiers: ClinVar variation 137503 (VCV000137503.10), dbSNP rs59737743, ClinGen allele CA291112.
Genomic context (GRCh38, chr5:90,658,297, plus strand): 5'-GCAAATGGCTTGTTTGGTTTCACAGGAGCTTGTATACCAGAGGTAAGTAGTGAGCTTGGA[G>T]AATTTTGGATTTAAAAATTCATTGTAGGTGGATTTGTTTGGGACTCGGCTTTCTTTCATT-3'